The following is an entry in ClinVar:

NM_000170.3(GLDC):c.139G>C (p.Ala47Pro)

Gene: GLDC (glycine decarboxylase; minus strand). Cytogenetic location: 9p24.1.
Variant type: single nucleotide variant.
Coding change: c.139G>C on transcript NM_000170.3 (MANE Select); coding-DNA position 139, G replaced by C.
Protein change: p.Ala47Pro; replaces alanine 47 with proline.
Molecular consequence: missense variant.
Genome position (GRCh38, 1-based): chr9:6,645,361, C>G on the plus strand (G>C on the coding strand, the complement: GLDC is on the minus strand). VCF-style: chr9-6645361-C-G. GRCh37 (hg19) VCF-style: chr9-6645361-C-G.
Other names: short protein forms A47P.
Identifiers: ClinVar variation 2153431 (VCV002153431.1), dbSNP rs2489162621, ClinGen allele CA372886888.

ClinVar aggregate classification (germline): Uncertain significance (1 of 4 stars; one submission).

Conditions:
Glycine encephalopathy. Also called: Non-ketotic hyperglycinemia; Nonketotic hyperglycinemia. Identifiers: Orphanet 407, MedGen C0751748, MONDO:0011612, HP:0008288.

Submission:

Labcorp Genetics (formerly Invitae), Labcorp
Classification: Uncertain significance for Glycine encephalopathy. Last evaluated: 2022-07-25. Review status: criteria provided, single submitter. Criteria: Invitae Variant Classification Sherloc (09022015). Collection method: clinical testing. Allele origin: germline.
Comment: This sequence change replaces alanine, which is neutral and non-polar, with proline, which is neutral and non-polar, at codon 47 of the GLDC protein (p.Ala47Pro). This variant is not present in population databases (gnomAD no frequency). This variant has not been reported in the literature in individuals affected with GLDC-related conditions. Advanced modeling of protein sequence and biophysical properties (such as structural, functional, and spatial information, amino acid conservation, physicochemical variation, residue mobility, and thermodynamic stability) performed at Invitae indicates that this missense variant is not expected to disrupt GLDC protein function. In summary, the available evidence is currently insufficient to determine the role of this variant in disease. Therefore, it has been classified as a Variant of Uncertain Significance.